The following is an entry in ClinVar:

ClinVar aggregate classification (germline): Uncertain significance (1 of 4 stars; one submission).

Allele frequency attached by ClinVar (database versions not stated): gnomAD exomes 0.00001; ESP Exome Variant Server 0.00008.
gnomAD v4.1: 3 of 1,611,542 alleles (0.00019%); highest among the groups gnomAD compares: Non-Finnish European, 0.00025%; no homozygotes.

Submission:

Labcorp Genetics (formerly Invitae), Labcorp
Classification: Uncertain significance. Last evaluated: 2023-03-30. Review status: criteria provided, single submitter. Criteria: Invitae Variant Classification Sherloc (09022015). Collection method: clinical testing. Allele origin: germline.
Comment: This sequence change replaces threonine, which is neutral and polar, with asparagine, which is neutral and polar, at codon 964 of the SUCO protein (p.Thr964Asn). The frequency data for this variant in the population databases is considered unreliable, as metrics indicate poor data quality at this position in the gnomAD database. This variant has not been reported in the literature in individuals affected with SUCO-related conditions. An algorithm developed to predict the effect of missense changes on protein structure and function (PolyPhen-2) suggests that this variant is likely to be disruptive. In summary, the available evidence is currently insufficient to determine the role of this variant in disease. Therefore, it has been classified as a Variant of Uncertain Significance.

NM_014283.5(SUCO):c.2891C>A (p.Thr964Asn)

Gene: SUCO (SUN domain containing ossification factor; plus strand). Cytogenetic location: 1q24.3.
Variant type: single nucleotide variant.
Coding change: c.2891C>A on transcript NM_014283.5 (MANE Select); coding-DNA position 2891, C replaced by A.
Protein change: p.Thr964Asn; replaces threonine 964 with asparagine.
Molecular consequence: missense variant.
Genome position (GRCh38, 1-based): chr1:172,591,049, C>A. VCF-style: chr1-172591049-C-A. GRCh37 (hg19) VCF-style: chr1-172560189-C-A.
Other names: c.1778C>A, p.Thr593Asn (NM_001282750.2); c.1202C>A, p.Thr401Asn (NM_001282751.2); c.3344C>A, p.Thr1115Asn (NM_016227.4); short protein forms T1115N, T593N, T964N, T401N.
Identifiers: ClinVar variation 3013092 (VCV003013092.3), dbSNP rs375278979, ClinGen allele CA32734262.